The following is an entry in ClinVar:

NM_001042492.3(NF1):c.5828_5829del (p.His1943fs)

Gene: NF1 (neurofibromin 1; plus strand). Cytogenetic location: 17q11.2.
Variant type: Microsatellite.
Coding change: c.5828_5829del on transcript NM_001042492.3 (MANE Select); coding-DNA positions 5828 to 5829, 2 bases deleted (AC; older notation c.5828_5829delAC).
Protein change: p.His1943fs; shifts the reading frame from histidine 1943.
Molecular consequence: frameshift variant.
Genome position (GRCh38, 1-based): chr17:31,334,853-31,334,854, AC deleted; deleting any 2 consecutive bases within chr17:31,334,851-31,334,854 gives the same sequence; the c. name uses the placement nearest the transcript's 3' end. VCF-style (leftmost placement, unchanged base first): chr17-31334850-AAC-A. GRCh37 (hg19) VCF-style: chr17-29661868-AAC-A.
Other names: c.5763_5764AC[1], p.His1922Profs (NM_000267.4); short protein forms H1922fs, H1943fs.
Identifiers: ClinVar variation 1070230 (VCV001070230.5), dbSNP rs2151550270, ClinGen allele CA2580614066.

ClinVar aggregate classification (germline): Pathogenic (1 of 4 stars; one submission).

Conditions:
Neurofibromatosis, type 1 (NF1). Also called: VON RECKLINGHAUSEN DISEASE; Peripheral type neurofibromatosis; NEUROFIBROMATOSIS, TYPE I, SOMATIC; Neurofibromatosis, type I. Identifiers: Orphanet 636, MedGen C0027831, MONDO:0018975, OMIM 162200. Disease mechanism: loss of function.

Submission:

Labcorp Genetics (formerly Invitae), Labcorp
Classification: Pathogenic for Neurofibromatosis, type 1. Last evaluated: 2020-05-21. Review status: criteria provided, single submitter. Criteria: Invitae Variant Classification Sherloc (09022015). Collection method: clinical testing. Allele origin: germline.
Comment: This variant has not been reported in the literature in individuals with NF1-related conditions. For these reasons, this variant has been classified as Pathogenic. Loss-of-function variants in NF1 are known to be pathogenic (PMID: 10712197, 23913538). This variant is not present in population databases (ExAC no frequency). This sequence change creates a premature translational stop signal (p.His1922Profs*20) in the NF1 gene. It is expected to result in an absent or disrupted protein product.

Literature cited by the submitters: PubMed 10712197; PubMed 23913538.